The following is an entry in ClinVar:

NM_004656.4(BAP1):c.154T>C (p.Trp52Arg)

Gene: BAP1 (BRCA1 associated deubiquitinase 1; minus strand). Cytogenetic location: 3p21.1.
Variant type: single nucleotide variant.
Coding change: c.154T>C on transcript NM_004656.4 (MANE Select); coding-DNA position 154, T replaced by C.
Protein change: p.Trp52Arg; replaces tryptophan 52 with arginine.
Molecular consequence: missense variant.
Genome position (GRCh38, 1-based): chr3:52,408,575, A>G on the plus strand (T>C on the coding strand, the complement: BAP1 is on the minus strand). VCF-style: chr3-52408575-A-G. GRCh37 (hg19) VCF-style: chr3-52442591-A-G.
Other names: c.154T>C, p.Trp52Arg (NM_001410772.1); short protein forms W52R.
Identifiers: ClinVar variation 2774765 (VCV002774765.2), dbSNP rs2471358486, ClinGen allele CA353113579.

ClinVar aggregate classification (germline): Uncertain significance (1 of 4 stars; one submission).

Conditions:
Hereditary cancer-predisposing syndrome. Also called: Neoplastic Syndromes, Hereditary; Tumor predisposition; Hereditary Cancer Syndrome; Hereditary neoplastic syndrome. Identifiers: Orphanet 140162, MedGen C0027672, MeSH D009386, MONDO:0015356.

Submission:

Color Diagnostics, LLC DBA Color Health
Classification: Uncertain significance for Hereditary cancer-predisposing syndrome. Last evaluated: 2023-01-23. Review status: criteria provided, single submitter. Criteria: ACMG Guidelines, 2015. Collection method: clinical testing. Allele origin: germline.
Comment: This missense variant replaces tryptophan with arginine at codon 52 of the BAP1 protein. Computational prediction suggests that this variant may have deleterious impact on protein structure and function (internally defined REVEL score threshold >= 0.7, PMID: 27666373). To our knowledge, functional studies have not been reported for this variant. This variant has not been reported in individuals affected with BAP1-related disorders in the literature. This variant has not been identified in the general population by the Genome Aggregation Database (gnomAD). The available evidence is insufficient to determine the role of this variant in disease conclusively. Therefore, this variant is classified as a Variant of Uncertain Significance.